The following is an entry in ClinVar:

ClinVar aggregate classification (germline): Uncertain significance (1 of 4 stars; one submission).

Conditions:
Congenital myasthenic syndrome 5. Identifiers: Orphanet 590, MedGen C1864233, MONDO:0011281, OMIM 603034.

Allele frequency attached by ClinVar (database versions not stated): ExAC 0.00001; gnomAD 0.00001; gnomAD exomes 0.00001 and 0.00002; TOPMed 0.00001; ESP Exome Variant Server 0.00008.
gnomAD v4.1: 32 of 1,614,012 alleles (0.002%); highest among the groups gnomAD compares: Non-Finnish European, 0.0023%; no homozygotes.

Submission:

Labcorp Genetics (formerly Invitae), Labcorp
Classification: Uncertain significance for Congenital myasthenic syndrome 5. Last evaluated: 2022-08-16. Review status: criteria provided, single submitter. Criteria: Invitae Variant Classification Sherloc (09022015). Collection method: clinical testing. Allele origin: germline.
Comment: Algorithms developed to predict the effect of missense changes on protein structure and function are either unavailable or do not agree on the potential impact of this missense change (SIFT: "Deleterious"; PolyPhen-2: "Not Available"; Align-GVGD: "Class C65"). In summary, the available evidence is currently insufficient to determine the role of this variant in disease. Therefore, it has been classified as a Variant of Uncertain Significance. ClinVar contains an entry for this variant (Variation ID: 936990). This sequence change replaces glycine, which is neutral and non-polar, with arginine, which is basic and polar, at codon 204 of the COLQ protein (p.Gly204Arg). This variant is present in population databases (rs374783562, gnomAD 0.002%). This variant has not been reported in the literature in individuals affected with COLQ-related conditions.

NM_005677.4(COLQ):c.610G>A (p.Gly204Arg)

Gene: COLQ (collagen like tail subunit of asymmetric acetylcholinesterase; minus strand). Cytogenetic location: 3p25.1.
Variant type: single nucleotide variant.
Coding change: c.610G>A on transcript NM_005677.4 (MANE Select); coding-DNA position 610, G replaced by A.
Protein change: p.Gly204Arg; replaces glycine 204 with arginine.
Molecular consequence: missense variant.
Genome position (GRCh38, 1-based): chr3:15,474,026, C>T on the plus strand (G>A on the coding strand, the complement: COLQ is on the minus strand). VCF-style: chr3-15474026-C-T. GRCh37 (hg19) VCF-style: chr3-15515533-C-T.
Other names: c.580G>A, p.Gly194Arg (NM_080538.2); c.508G>A, p.Gly170Arg (NM_080539.4); short protein forms G170R, G194R, G204R.
Identifiers: ClinVar variation 936990 (VCV000936990.9), dbSNP rs374783562, ClinGen allele CA2276057.